The following is an entry in ClinVar:

ClinVar aggregate classification (germline): Likely benign (1 of 4 stars; one submission).

Submission:

GeneDx
Classification: Likely benign. Last evaluated: 2018-06-16. Review status: criteria provided, single submitter. Criteria: GeneDx Variant Classification (06012015). Collection method: clinical testing. Allele origin: germline. Affected: yes.
Comment: This variant is considered likely benign or benign based on one or more of the following criteria: it is a conservative change, it occurs at a poorly conserved position in the protein, it is predicted to be benign by multiple in silico algorithms, and/or has population frequency not consistent with disease.

NM_001365088.1(SLC12A6):c.1650-83dup

Gene: SLC12A6 (solute carrier family 12 member 6; minus strand). Cytogenetic location: 15q14.
Variant type: Duplication.
Coding change: c.1650-83dup on transcript NM_001365088.1 (MANE Select); 83 bases into the intron before coding-DNA position 1650, one base duplicated (A; older notation c.1650-83dupA).
Molecular consequence: intron variant.
Genome position (GRCh38, 1-based): chr15:34,245,942, T duplicated on the plus strand (A on the coding strand, the reverse complement: SLC12A6 is on the minus strand); the first of 9 consecutive T bases (chr15:34,245,942-34,245,950); duplicating any one gives the same sequence. VCF-style (leftmost placement, unchanged base first): chr15-34245941-A-AT. GRCh37 (hg19) VCF-style: chr15-34538142-A-AT.
Other names: c.1473-83dup (NM_001042495.2, NM_001042494.2); c.1623-83dup (NM_001042496.2); c.1605-83dup (NM_001042497.2); c.1650-83dup (NM_133647.2); c.1497-83dup (NM_005135.2).
Identifiers: ClinVar variation 673152 (VCV000673152.1), dbSNP rs200823199, ClinGen allele CA268666678.